The following is an entry in ClinVar:

NM_000388.4(CASR):c.604G>A (p.Glu202Lys)

Gene: CASR (calcium sensing receptor; plus strand). Cytogenetic location: 3q21.1.
Variant type: single nucleotide variant.
Coding change: c.604G>A on transcript NM_000388.4 (MANE Select); coding-DNA position 604, G replaced by A.
Protein change: p.Glu202Lys; replaces glutamic acid 202 with lysine.
Molecular consequence: missense variant.
Genome position (GRCh38, 1-based): chr3:122,261,639, G>A. VCF-style: chr3-122261639-G-A. GRCh37 (hg19) VCF-style: chr3-121980486-G-A.
Other names: c.604G>A, p.Glu202Lys (NM_001178065.2); c.604G>A (NM_000388.3); short protein forms E202K.
Identifiers: ClinVar variation 1381899 (VCV001381899.9), dbSNP rs1430623191, ClinGen allele CA354150944.

ClinVar aggregate classification (germline): Uncertain significance. Review status: criteria provided, multiple submitters, no conflicts (2 of 4 stars). 2 submissions from 2 submitters: Uncertain significance (2). Last evaluated 2023-09-25.

Conditions:
Autosomal dominant hypocalcemia 1 (HYPOC1). Also called: HYPOCALCEMIA, FAMILIAL. Identifiers: MedGen C3715128, MONDO:0011013, OMIM 601198.
Familial hypocalciuric hypercalcemia (FHH). Also called: Familial benign hypercalcemia. Identifiers: Orphanet 405, MedGen C1809471, MONDO:0018458.
Nephrolithiasis/nephrocalcinosis. Identifiers: MedGen CN580796.

Submissions (2):

Labcorp Genetics (formerly Invitae), Labcorp
Classification: Uncertain significance for Familial hypocalciuric hypercalcemia; Autosomal dominant hypocalcemia 1. Last evaluated: 2023-09-25. Review status: criteria provided, single submitter. Criteria: Invitae Variant Classification Sherloc (09022015). Collection method: clinical testing. Allele origin: germline.
Comment: This sequence change replaces glutamic acid, which is acidic and polar, with lysine, which is basic and polar, at codon 202 of the CASR protein (p.Glu202Lys). This variant is not present in population databases (gnomAD no frequency). This variant has not been reported in the literature in individuals affected with CASR-related conditions. ClinVar contains an entry for this variant (Variation ID: 1381899). An algorithm developed to predict the effect of missense changes on protein structure and function (PolyPhen-2) suggests that this variant is likely to be tolerated. In summary, the available evidence is currently insufficient to determine the role of this variant in disease. Therefore, it has been classified as a Variant of Uncertain Significance.

Ambry Genetics
Classification: Uncertain significance for Nephrolithiasis/nephrocalcinosis. Last evaluated: 2023-02-12. Review status: criteria provided, single submitter. Criteria: Ambry Variant Classification Scheme 2023. Collection method: clinical testing. Allele origin: germline.
Comment: The p.E202K variant (also known as c.604G>A), located in coding exon 3 of the CASR gene, results from a G to A substitution at nucleotide position 604. The glutamic acid at codon 202 is replaced by lysine, an amino acid with similar properties. This amino acid position is conserved. In addition, this alteration is predicted to be deleterious by in silico analysis. Since supporting evidence is limited at this time, the clinical significance of this alteration remains unclear.